The following is an entry in ClinVar:

NM_000213.5(ITGB4):c.1412A>G (p.Asn471Ser)

Gene: ITGB4 (integrin subunit beta 4; plus strand). Cytogenetic location: 17q25.1.
Variant type: single nucleotide variant.
Coding change: c.1412A>G on transcript NM_000213.5 (MANE Select); coding-DNA position 1412, A replaced by G.
Protein change: p.Asn471Ser; replaces asparagine 471 with serine.
Molecular consequence: missense variant.
Genome position (GRCh38, 1-based): chr17:75,732,197, A>G. VCF-style: chr17-75732197-A-G. GRCh37 (hg19) VCF-style: chr17-73728278-A-G.
Other names: c.1412A>G, p.Asn471Ser (NM_001005619.2, NM_001005731.3, NM_001321123.2); short protein forms N471S.
Identifiers: ClinVar variation 3366278 (VCV003366278.3).

ClinVar aggregate classification (germline): Uncertain significance. Review status: criteria provided, multiple submitters, no conflicts (2 of 4 stars). 2 submissions from 2 submitters: Uncertain significance (2). Last evaluated 2023-10-20.

Conditions:
Focal segmental glomerulosclerosis (FSGS). Also called: Glomerulosclerosis, focal; Focal sclerosis with hyalinosis. Identifiers: MedGen C0017668, MONDO:0100313, HP:0000097. Disease mechanism: loss of function.

gnomAD v4.1: 12 of 1,614,002 alleles (0.00074%); highest among the groups gnomAD compares: African/African-American, 0.0067%; no homozygotes.

Submissions (2):

GeneDx
Classification: Uncertain significance. Last evaluated: 2023-10-20. Review status: criteria provided, single submitter. Criteria: GeneDx Variant Classification Process June 2021. Collection method: clinical testing. Allele origin: germline. Affected: yes.
Comment: In silico analysis supports that this missense variant has a deleterious effect on protein structure/function; Has not been previously published as pathogenic or benign to our knowledge

Molecular Diagnostics Lab, Nemours Children's Health, Delaware
Classification: Uncertain significance for Focal segmental glomerulosclerosis. Last evaluated: 2019-11-13. Review status: criteria provided, single submitter. Criteria: ACMG Guidelines, 2015. Collection method: clinical testing. Allele origin: unknown. Inheritance: Autosomal recessive inheritance. Affected: yes. Observed: 1 heterozygote.
Comment: This missense variant (c.1412A>G, p.Asn471Ser) has not been observed in population databases (gnomAD) and has not been reported in the literature. Insufficient evidence exists to classify this change, therefore its significance is uncertain.